The following is an entry in ClinVar:

ClinVar aggregate classification (germline): Conflicting classifications of pathogenicity. Review status: criteria provided, conflicting classifications (1 of 4 stars). 2 submissions from 2 submitters: Uncertain significance (1); Likely benign (1). Last evaluated 2023-03-23.

Conditions:
Hereditary cancer-predisposing syndrome. Also called: Hereditary neoplastic syndrome; Hereditary Cancer Syndrome; Neoplastic Syndromes, Hereditary; Tumor predisposition. Identifiers: Orphanet 140162, MedGen C0027672, MeSH D009386, MONDO:0015356.

Submissions (2):

University of Washington Department of Laboratory Medicine, University of Washington
Classification: Likely benign for Hereditary cancer-predisposing syndrome. Last evaluated: 2023-03-23. Review status: criteria provided, single submitter. Criteria: Dines et al. (Genet Med. 2020). Collection method: curation. Allele origin: germline.
Comment: Missense variant in a coldspot region where missense variants are very unlikely to be pathogenic (PMID:31911673).

BRCA2 exon 11 coldspot. Reclassification based on statistical prior probability.

CeGaT Center for Human Genetics Tuebingen
Classification: Uncertain significance. Last evaluated: 2021-04-01. Review status: criteria provided, single submitter. Criteria: CeGaT Center For Human Genetics Tuebingen Variant Classification Criteria Version 2. Collection method: clinical testing. Allele origin: germline. Affected: yes. Observed: 1 variant allele.

NM_000059.4(BRCA2):c.4058A>C (p.Glu1353Ala)

Gene: BRCA2 (BRCA2 DNA repair associated; plus strand). Cytogenetic location: 13q13.1.
Variant type: single nucleotide variant.
Coding change: c.4058A>C on transcript NM_000059.4 (MANE Select); coding-DNA position 4058, A replaced by C.
Protein change: p.Glu1353Ala; replaces glutamic acid 1353 with alanine.
Molecular consequence: missense variant.
Genome position (GRCh38, 1-based): chr13:32,338,413, A>C. VCF-style: chr13-32338413-A-C. GRCh37 (hg19) VCF-style: chr13-32912550-A-C.
Other names: short protein forms E1353A.
Identifiers: ClinVar variation 1176617 (VCV001176617.37), dbSNP rs2137502526, ClinGen allele CA387779125.